The following is an entry in ClinVar:

ClinVar aggregate classification (germline): Likely pathogenic (1 of 4 stars; one submission).

Allele frequency attached by ClinVar (database versions not stated): ExAC 0.00003; gnomAD exomes 0.00003 and 0.00006; TOPMed 0.00003; gnomAD 0.00004.
gnomAD v4.1: 86 of 1,613,762 alleles (0.0053%); highest among the groups gnomAD compares: Non-Finnish European, 0.0069%; no homozygotes.

Submission:

GeneDx
Classification: Likely pathogenic. Last evaluated: 2017-01-17. Review status: criteria provided, single submitter. Criteria: GeneDx Variant Classification (06012015). Collection method: clinical testing. Allele origin: germline. Affected: yes.
Comment: The Q152X pathogenic variant in the FREM1 gene has not been reported previously as a pathogenic variant nor as a benign variant, to our knowledge. This variant is predicted to cause loss of normal protein function either through protein truncation or nonsense-mediated mRNA decay. The Q152X variant was not observed in approximately 6000 individuals of European and African American ancestry in the NHLBI Exome Sequencing Project, indicating it is not a common benign variant in these populations. The Q152X variant is a strong candidate for a pathogenic variant, however the possibility it may be a rare benign variant cannot be excluded.

NM_001379081.2(FREM1):c.454C>T (p.Gln152Ter)

Gene: FREM1 (FRAS1 related extracellular matrix 1; minus strand). Cytogenetic location: 9p22.3.
Variant type: single nucleotide variant.
Coding change: c.454C>T on transcript NM_001379081.2 (MANE Select); coding-DNA position 454, C replaced by T.
Protein change: p.Gln152Ter; replaces glutamine 152 with a stop codon.
Molecular consequence: nonsense. On other transcripts: non-coding transcript variant (4).
Genome position (GRCh38, 1-based): chr9:14,859,360, G>A on the plus strand (C>T on the coding strand, the complement: FREM1 is on the minus strand). VCF-style: chr9-14859360-G-A. GRCh37 (hg19) VCF-style: chr9-14859358-G-A.
Other names: c.454C>T, p.Gln152Ter (NM_001370060.1, NM_001370063.1, NM_001370065.1 and 1 more transcripts); short protein forms Q152*.
Identifiers: ClinVar variation 392658 (VCV000392658.2), dbSNP rs774044026, ClinGen allele CA4991573.